The following is an entry in ClinVar:

ClinVar aggregate classification (germline): Uncertain significance. Review status: criteria provided, multiple submitters, no conflicts (2 of 4 stars). 2 submissions from 2 submitters: Uncertain significance (2). Last evaluated 2025-10-26.

Conditions:
Inborn genetic diseases. Identifiers: MedGen C0950123, MeSH D030342.
Mosaic variegated aneuploidy syndrome 1 (MVA1). Also called: Warburton-Anyane-Yeboa syndrome. Identifiers: Orphanet 1052, MedGen C1850343, MONDO:0009759, OMIM 257300.

Allele frequency attached by ClinVar (database versions not stated): gnomAD exomes below 0.00001 and 0.00001; ExAC 0.00001; TOPMed 0.00002; gnomAD 0.00003 and 0.00004.
gnomAD v4.1: 16 of 1,613,488 alleles (0.00099%); highest among the groups gnomAD compares: Admixed American, 0.0033%; no homozygotes.

Submissions (2):

Ambry Genetics
Classification: Uncertain significance for Inborn genetic diseases. Last evaluated: 2025-10-26. Review status: criteria provided, single submitter. Criteria: Ambry Variant Classification Scheme 2023. Collection method: clinical testing. Allele origin: germline.
Comment: The p.I956V variant (also known as c.2866A>G), located in coding exon 22 of the BUB1B gene, results from an A to G substitution at nucleotide position 2866. The isoleucine at codon 956 is replaced by valine, an amino acid with highly similar properties. This amino acid position is conserved. In addition, this alteration is predicted to be tolerated by in silico analysis. Since supporting evidence is limited at this time, the clinical significance of this alteration remains unclear.

Labcorp Genetics (formerly Invitae), Labcorp
Classification: Uncertain significance for Mosaic variegated aneuploidy syndrome 1. Last evaluated: 2025-07-31. Review status: criteria provided, single submitter. Criteria: Invitae Variant Classification Sherloc (09022015). Collection method: clinical testing. Allele origin: germline.
Comment: This sequence change replaces isoleucine, which is neutral and non-polar, with valine, which is neutral and non-polar, at codon 956 of the BUB1B protein (p.Ile956Val). This variant is present in population databases (rs775844666, gnomAD 0.004%). This variant has not been reported in the literature in individuals affected with BUB1B-related conditions. ClinVar contains an entry for this variant (Variation ID: 403752). An algorithm developed to predict the effect of missense changes on protein structure and function (PolyPhen-2) suggests that this variant is likely to be tolerated. In summary, the available evidence is currently insufficient to determine the role of this variant in disease. Therefore, it has been classified as a Variant of Uncertain Significance.

NM_001211.6(BUB1B):c.2866A>G (p.Ile956Val)

Genes: BUB1B (BUB1 mitotic checkpoint serine/threonine kinase B; plus strand), BUB1B-PAK6 (BUB1B-PAK6 readthrough; plus strand). Cytogenetic location: 15q15.1.
Variant type: single nucleotide variant.
Coding change: c.2866A>G on transcript NM_001211.6 (MANE Select); coding-DNA position 2866, A replaced by G.
Protein change: p.Ile956Val; replaces isoleucine 956 with valine.
Molecular consequence: missense variant. On other transcripts: intron variant (2).
Genome position (GRCh38, 1-based): chr15:40,218,471, A>G. VCF-style: chr15-40218471-A-G. GRCh37 (hg19) VCF-style: chr15-40510672-A-G.
Other names: c.-201+804A>G (NM_001128628.3); c.-118+804A>G (NM_001128629.3); short protein forms I956V.
Identifiers: ClinVar variation 403752 (VCV000403752.15), dbSNP rs775844666, ClinGen allele CA7476153.